The following is an entry in ClinVar:

NM_003285.3(TNR):c.605C>T (p.Pro202Leu)

Gene: TNR (tenascin R; minus strand). Cytogenetic location: 1q25.1.
Variant type: single nucleotide variant.
Coding change: c.605C>T on transcript NM_003285.3 (MANE Select); coding-DNA position 605, C replaced by T.
Protein change: p.Pro202Leu; replaces proline 202 with leucine.
Molecular consequence: missense variant. On other transcripts: 5 prime UTR variant (1).
Genome position (GRCh38, 1-based): chr1:175,403,511, G>A on the plus strand (C>T on the coding strand, the complement: TNR is on the minus strand). VCF-style: chr1-175403511-G-A. GRCh37 (hg19) VCF-style: chr1-175372647-G-A.
Other names: c.-291C>T (NM_001328635.2); short protein forms P202L.
Identifiers: ClinVar variation 5040517 (VCV005040517.1).

ClinVar aggregate classification (germline): Uncertain significance (1 of 4 stars; one submission).

Submission:

CeGaT Center for Human Genetics Tuebingen
Classification: Uncertain significance. Last evaluated: 2026-08-01. Review status: criteria provided, single submitter. Criteria: CeGaT Center For Human Genetics Tuebingen Variant Classification Criteria Version 2. Collection method: clinical testing. Allele origin: germline. Affected: yes. Observed: 1 variant allele.
Comment: TNR: PM2